The following is an entry in ClinVar:

ClinVar aggregate classification (germline): Likely benign (0 of 4 stars; one submission).

Conditions:
MARCHF10-related disorder. Also called: MARCHF10-related condition.

Allele frequency attached by ClinVar (database versions not stated): gnomAD 0.00012; gnomAD exomes 0.00012; ExAC 0.00019; TOPMed 0.00019.
gnomAD v4.1: 209 of 1,614,034 alleles (0.013%); highest among the groups gnomAD compares: Middle Eastern, 0.033%; 1 homozygote.

Submission:

PreventionGenetics, part of Exact Sciences
Classification: Likely benign for MARCHF10-related condition. Last evaluated: 2022-03-09. Review status: no assertion criteria provided. Collection method: clinical testing. Allele origin: germline.
Comment: This variant is classified as likely benign based on ACMG/AMP sequence variant interpretation guidelines (Richards et al. 2015 PMID: 25741868, with internal and published modifications).

NM_152598.4(MARCHF10):c.2404A>G (p.Ile802Val)

Gene: MARCHF10 (membrane associated ring-CH-type finger 10; minus strand). Cytogenetic location: 17q23.2.
Variant type: single nucleotide variant.
Coding change: c.2404A>G on transcript NM_152598.4 (MANE Select); coding-DNA position 2404, A replaced by G.
Protein change: p.Ile802Val; replaces isoleucine 802 with valine.
Molecular consequence: missense variant.
Genome position (GRCh38, 1-based): chr17:62,701,726, T>C on the plus strand (A>G on the coding strand, the complement: MARCHF10 is on the minus strand). VCF-style: chr17-62701726-T-C. GRCh37 (hg19) VCF-style: chr17-60779087-T-C.
Other names: c.2404A>G, p.Ile802Val (NM_001100875.3); c.2518A>G, p.Ile840Val (NM_001288779.2); short protein forms I802V, I840V.
Identifiers: ClinVar variation 3036425 (VCV003036425.2), dbSNP rs766131670, ClinGen allele CA8696530.